The following is an entry in ClinVar:

ClinVar aggregate classification (germline): Uncertain significance. Review status: criteria provided, multiple submitters, no conflicts (2 of 4 stars). 3 submissions from 3 submitters: Uncertain significance (3). Last evaluated 2025-06-18.

Conditions:
Inborn genetic diseases. Identifiers: MedGen C0950123, MeSH D030342.

Allele frequency attached by ClinVar (database versions not stated): TOPMed 0.00002; ExAC 0.00005.
gnomAD v4.1: 19 of 1,594,692 alleles (0.0012%); highest among the groups gnomAD compares: Admixed American, 0.033%; no homozygotes.

Submissions (3):

GeneDx
Classification: Uncertain significance. Last evaluated: 2025-06-18. Review status: criteria provided, single submitter. Criteria: GeneDx Variant Classification Process June 2021. Collection method: clinical testing. Allele origin: germline. Affected: yes.
Comment: In silico analysis suggests that this missense variant does not alter protein structure/function; Has not been previously published as pathogenic or benign to our knowledge

Ambry Genetics
Classification: Uncertain significance for Inborn genetic diseases. Last evaluated: 2025-02-07. Review status: criteria provided, single submitter. Criteria: Ambry Variant Classification Scheme 2023. Collection method: clinical testing. Allele origin: germline.

Labcorp Genetics (formerly Invitae), Labcorp
Classification: Uncertain significance. Last evaluated: 2024-07-01. Review status: criteria provided, single submitter. Criteria: Invitae Variant Classification Sherloc (09022015). Collection method: clinical testing. Allele origin: germline.
Comment: This sequence change replaces proline, which is neutral and non-polar, with threonine, which is neutral and polar, at codon 971 of the PTPN23 protein (p.Pro971Thr). This variant is present in population databases (rs767136431, gnomAD 0.06%). This variant has not been reported in the literature in individuals affected with PTPN23-related conditions. ClinVar contains an entry for this variant (Variation ID: 1425841). Experimental studies and prediction algorithms are not available or were not evaluated, and the functional significance of this variant is currently unknown. In summary, the available evidence is currently insufficient to determine the role of this variant in disease. Therefore, it has been classified as a Variant of Uncertain Significance.

NM_015466.4(PTPN23):c.2911C>A (p.Pro971Thr)

Gene: PTPN23 (protein tyrosine phosphatase non-receptor type 23; plus strand). Cytogenetic location: 3p21.31.
Variant type: single nucleotide variant.
Coding change: c.2911C>A on transcript NM_015466.4 (MANE Select); coding-DNA position 2911, C replaced by A.
Protein change: p.Pro971Thr; replaces proline 971 with threonine.
Molecular consequence: missense variant.
Genome position (GRCh38, 1-based): chr3:47,410,709, C>A. VCF-style: chr3-47410709-C-A. GRCh37 (hg19) VCF-style: chr3-47452199-C-A.
Other names: c.2533C>A, p.Pro845Thr (NM_001304482.2); c.2911C>A (NM_015466.2); short protein forms P845T, P971T.
Identifiers: ClinVar variation 1425841 (VCV001425841.8), dbSNP rs767136431, ClinGen allele CA2366152.